The following is an entry in ClinVar:

NM_022114.4(PRDM16):c.2809C>G (p.Pro937Ala)

Gene: PRDM16 (PR/SET domain 16; plus strand). Cytogenetic location: 1p36.32.
Variant type: single nucleotide variant.
Coding change: c.2809C>G on transcript NM_022114.4 (MANE Select); coding-DNA position 2809, C replaced by G.
Protein change: p.Pro937Ala; replaces proline 937 with alanine.
Molecular consequence: missense variant.
Genome position (GRCh38, 1-based): chr1:3,417,945, C>G. VCF-style: chr1-3417945-C-G. GRCh37 (hg19) VCF-style: chr1-3334509-C-G.
Other names: c.2809C>G, p.Pro937Ala (NM_199454.3); short protein forms P937A.
Identifiers: ClinVar variation 406243 (VCV000406243.19), dbSNP rs374972823, ClinGen allele CA544611.
Genomic context (GRCh38, chr1:3,417,945, plus strand): 5'-GACTCGGGCAGCTCCCTGCAGCCCCTCCCCCACCACCCCTTCAACTTCCGGTCCCCACCC[C>G]CAACGCTCTCCGACCCCATCCTCAGGAAGGGCAAGGAGCGATACACGTGCAGGTGAGGGG-3'
Protein context (NP_071397.3, residues 927-947): HHPFNFRSPP[Pro937Ala]TLSDPILRKG

ClinVar aggregate classification (germline): Uncertain significance. Review status: criteria provided, multiple submitters, no conflicts (2 of 4 stars). 5 submissions from 5 submitters: Uncertain significance (4). 1 of the submissions does not count toward it. Last evaluated 2026-09-15.

Conditions:
PRDM16-related disorder. Also called: PRDM16-related condition.
Left ventricular noncompaction 8 (LVNC8). Identifiers: Orphanet 154, Orphanet 54260, MedGen C3809288, MONDO:0014152, OMIM 615373.
Inborn genetic diseases. Identifiers: MedGen C0950123, MeSH D030342.

Allele frequency attached by ClinVar (database versions not stated): TOPMed 0.00024.
gnomAD v4.1: 91 of 1,613,174 alleles (0.0056%); highest among the groups gnomAD compares: African/African-American, 0.089%; no homozygotes.

Submissions (5):

GeneDx
Classification: Uncertain significance. Last evaluated: 2026-09-15. Review status: criteria provided, single submitter. Criteria: GeneDx Variant Classification Process June 2021. Collection method: clinical testing. Allele origin: germline.
Comment: In silico analysis suggests that this missense variant does not alter protein structure/function; Has not been previously published as pathogenic or benign to our knowledge

Women's Health and Genetics/Laboratory Corporation of America, LabCorp
Classification: Uncertain significance. Last evaluated: 2026-06-15. Review status: criteria provided, single submitter. Criteria: LabCorp Variant Classification Summary - May 2015. Collection method: clinical testing. Allele origin: germline.
Comment: Variant summary: PRDM16 c.2809C>G (p.Pro937Ala) results in a non-conservative amino acid change in the encoded protein sequence. Algorithms developed to predict the effect of missense changes on protein structure and function are either unavailable or do not agree on the potential impact of this missense change. The variant allele was found at a frequency of 6.1e-05 in 246680 control chromosomes. The observed variant frequency exceeds the estimated maximal expected allele frequency for disease-causing variants in PRDM16. To our knowledge, no occurrence of c.2809C>G in individuals affected with PRDM16-related conditions and no experimental evidence demonstrating its impact on protein function have been reported. ClinVar contains an entry for this variant (Variation ID: 406243). Based on the evidence outlined above, the variant was classified as uncertain significance.

Labcorp Genetics (formerly Invitae), Labcorp
Classification: Uncertain significance for Left ventricular noncompaction 8. Last evaluated: 2025-11-17. Review status: criteria provided, single submitter. Criteria: Invitae Variant Classification Sherloc (09022015). Collection method: clinical testing. Allele origin: germline.
Comment: This sequence change replaces proline, which is neutral and non-polar, with alanine, which is neutral and non-polar, at codon 937 of the PRDM16 protein (p.Pro937Ala). This variant is present in population databases (rs374972823, gnomAD 0.09%), and has an allele count higher than expected for a pathogenic variant. This variant has not been reported in the literature in individuals affected with PRDM16-related conditions. ClinVar contains an entry for this variant (Variation ID: 406243). An algorithm developed to predict the effect of missense changes on protein structure and function (PolyPhen-2) suggests that this variant is likely to be tolerated. In summary, the available evidence is currently insufficient to determine the role of this variant in disease. Therefore, it has been classified as a Variant of Uncertain Significance.

Ambry Genetics
Classification: Uncertain significance for Inborn genetic diseases. Last evaluated: 2021-10-06. Review status: criteria provided, single submitter. Criteria: Ambry Variant Classification Scheme 2023. Collection method: clinical testing. Allele origin: germline.

PreventionGenetics, part of Exact Sciences
Classification: Likely benign for PRDM16-related condition. Last evaluated: 2023-07-07. Review status: no assertion criteria provided. Collection method: clinical testing. Allele origin: germline. Not counted in ClinVar's aggregate classification.
Comment: This variant is classified as likely benign based on ACMG/AMP sequence variant interpretation guidelines (Richards et al. 2015 PMID: 25741868, with internal and published modifications).